The following is an entry in ClinVar:

ClinVar aggregate classification (germline): Uncertain significance. Review status: criteria provided, multiple submitters, no conflicts (2 of 4 stars). 2 submissions from 2 submitters: Uncertain significance (2). Last evaluated 2024-12-17.

Conditions:
Ataxia-telangiectasia syndrome (AT). Also called: Ataxia telangiectasia (A-T); LOUIS-BAR SYNDROME; Cerebello-oculocutaneous telangiectasia; Immunodeficiency with ataxia telangiectasia; Ataxia-telangiectasia, complementation group D; AT, COMPLEMENTATION GROUP C. Identifiers: Orphanet 100, MedGen C0004135, MONDO:0008840, OMIM 208900.
Hereditary cancer-predisposing syndrome. Also called: Hereditary neoplastic syndrome; Neoplastic Syndromes, Hereditary; Tumor predisposition; Hereditary Cancer Syndrome. Identifiers: Orphanet 140162, MedGen C0027672, MeSH D009386, MONDO:0015356.

Submissions (2):

Ambry Genetics
Classification: Uncertain significance for Hereditary cancer-predisposing syndrome. Last evaluated: 2024-12-17. Review status: criteria provided, single submitter. Criteria: Ambry Variant Classification Scheme 2023. Collection method: clinical testing. Allele origin: germline.
Comment: The p.T2921R variant (also known as c.8762C>G), located in coding exon 59 of the ATM gene, results from a C to G substitution at nucleotide position 8762. The threonine at codon 2921 is replaced by arginine, an amino acid with similar properties. This amino acid position is highly conserved in available vertebrate species. In addition, this alteration is predicted to be deleterious by in silico analysis. Based on the available evidence, the clinical significance of this variant remains unclear.

Labcorp Genetics (formerly Invitae), Labcorp
Classification: Uncertain significance for Ataxia-telangiectasia syndrome. Last evaluated: 2023-04-06. Review status: criteria provided, single submitter. Criteria: Invitae Variant Classification Sherloc (09022015). Collection method: clinical testing. Allele origin: germline.
Comment: In summary, the available evidence is currently insufficient to determine the role of this variant in disease. Therefore, it has been classified as a Variant of Uncertain Significance. This missense change has been observed in individual(s) with ataxia telangiectasia (PMID: 34582042). It has also been observed to segregate with disease in related individuals. This sequence change replaces threonine, which is neutral and polar, with arginine, which is basic and polar, at codon 2921 of the ATM protein (p.Thr2921Arg). This variant is not present in population databases (gnomAD no frequency). ClinVar contains an entry for this variant (Variation ID: 1764578). An algorithm developed to predict the effect of missense changes on protein structure and function (PolyPhen-2) suggests that this variant is likely to be disruptive.

Literature cited by the submitters: PubMed 34582042 (cited by Labcorp Genetics (formerly Invitae), Labcorp).

NM_000051.4(ATM):c.8762C>G (p.Thr2921Arg)

Genes: ATM (ATM serine/threonine kinase; plus strand), C11orf65 (chromosome 11 open reading frame 65; minus strand). Cytogenetic location: 11q22.3.
Variant type: single nucleotide variant.
Coding change: c.8762C>G on transcript NM_000051.4 (MANE Select); coding-DNA position 8762, C replaced by G.
Protein change: p.Thr2921Arg; replaces threonine 2921 with arginine.
Molecular consequence: missense variant. On other transcripts: intron variant (2).
Genome position (GRCh38, 1-based): chr11:108,353,856, C>G. VCF-style: chr11-108353856-C-G. GRCh37 (hg19) VCF-style: chr11-108224583-C-G.
Other names: c.8762C>G, p.Thr2921Arg (NM_001351834.2); c.640+32064G>C (NM_001330368.2); c.695-18564G>C (NM_001351110.2); short protein forms T2921R.
Identifiers: ClinVar variation 1764578 (VCV001764578.6), dbSNP rs730881329, ClinGen allele CA382524162.